The following is an entry in ClinVar:

ClinVar aggregate classification (germline): Likely benign (1 of 4 stars; one submission).

Conditions:
HECTD4-related disorder. Also called: HECTD4-related condition.

gnomAD v4.1: 19 of 1,603,430 alleles (0.0012%); highest among the groups gnomAD compares: South Asian, 0.0033%; no homozygotes.

Submission:

PreventionGenetics, part of Exact Sciences
Classification: Likely benign for HECTD4-related condition. Last evaluated: 2025-04-24. Review status: criteria provided, single submitter. Criteria: ACMG Guidelines, 2015. Collection method: clinical testing. Allele origin: germline.
Comment: This variant is classified as likely benign based on ACMG/AMP sequence variant interpretation guidelines (Richards et al. 2015 PMID: 25741868, with internal and published modifications).

NM_001388303.1(HECTD4):c.11363+5G>A

Gene: HECTD4 (HECT domain E3 ubiquitin protein ligase 4; minus strand). Cytogenetic location: 12q24.13.
Variant type: single nucleotide variant.
Coding change: c.11363+5G>A on transcript NM_001388303.1 (MANE Select); 5 bases into the intron after coding-DNA position 11363, G replaced by A.
Molecular consequence: intron variant.
Genome position (GRCh38, 1-based): chr12:112,178,926, C>T on the plus strand (G>A on the coding strand, the complement: HECTD4 is on the minus strand). VCF-style: chr12-112178926-C-T. GRCh37 (hg19) VCF-style: chr12-112616730-C-T.
Other names: c.11393+5G>A (NM_001109662.4).
Identifiers: ClinVar variation 4980355 (VCV004980355.1).
Genomic context (GRCh38, chr12:112,178,926, plus strand): 5'-CTGCTCGGAGGCCTCCCCCACATCTGCCCACAGGCTGGGCTGCCCAGGCTCCTTGGGGCA[C>T]GCACCTGACGCTGTTGAGCACAGCCTTGTCCTTGGCGGGCGGCTTGGTGATAGGCCGCTT-3'